The following is an entry in ClinVar:

NM_003412.4(ZIC1):c.145C>T (p.Leu49Phe)

Gene: ZIC1 (Zic family zinc finger 1; plus strand). Cytogenetic location: 3q24.
Variant type: single nucleotide variant.
Coding change: c.145C>T on transcript NM_003412.4 (MANE Select); coding-DNA position 145, C replaced by T.
Protein change: p.Leu49Phe; replaces leucine 49 with phenylalanine.
Molecular consequence: missense variant.
Genome position (GRCh38, 1-based): chr3:147,410,257, C>T. VCF-style: chr3-147410257-C-T. GRCh37 (hg19) VCF-style: chr3-147128044-C-T.
Other names: short protein forms L49F.
Identifiers: ClinVar variation 3715933 (VCV003715933.2).
Genomic context (GRCh38, chr3:147,410,257, plus strand): 5'-GCCGAACGAGACGTGGGCCTGGGCATCAACCCGTTCGCCGACGGCATGGGCGCCTTCAAG[C>T]TCAACCCCAGTTCGCACGAGCTGGCTTCGGCCGGCCAGACGGCCTTCACGTCGCAGGCGC-3'
Protein context (NP_003403.2, residues 39-59): PFADGMGAFK[Leu49Phe]NPSSHELASA

ClinVar aggregate classification (germline): Uncertain significance (1 of 4 stars; one submission).

Submission:

Labcorp Genetics (formerly Invitae), Labcorp
Classification: Uncertain significance. Last evaluated: 2024-05-20. Review status: criteria provided, single submitter. Criteria: Invitae Variant Classification Sherloc (09022015). Collection method: clinical testing. Allele origin: germline.
Comment: This sequence change replaces leucine, which is neutral and non-polar, with phenylalanine, which is neutral and non-polar, at codon 49 of the ZIC1 protein (p.Leu49Phe). This variant is present in population databases (rs753961431, gnomAD 0.03%). This variant has not been reported in the literature in individuals affected with ZIC1-related conditions. Advanced modeling of protein sequence and biophysical properties (such as structural, functional, and spatial information, amino acid conservation, physicochemical variation, residue mobility, and thermodynamic stability) performed at Invitae indicates that this missense variant is not expected to disrupt ZIC1 protein function with a negative predictive value of 80%. In summary, the available evidence is currently insufficient to determine the role of this variant in disease. Therefore, it has been classified as a Variant of Uncertain Significance.